The following is an entry in ClinVar:

NM_000135.4(FANCA):c.3999C>A (p.Phe1333Leu)

Genes: ZNF276 (zinc finger protein 276; plus strand), FANCA (FA complementation group A; minus strand). Cytogenetic location: 16q24.3.
Variant type: single nucleotide variant.
Coding change: c.3999C>A on transcript NM_000135.4 (MANE Select); coding-DNA position 3999, C replaced by A.
Protein change: p.Phe1333Leu; replaces phenylalanine 1333 with leucine.
Molecular consequence: missense variant. On other transcripts: 3 prime UTR variant (2), non-coding transcript variant (4).
Genome position (GRCh38, 1-based): chr16:89,739,489, G>T on the plus strand (C>A on the coding strand, the complement: FANCA is on the minus strand). VCF-style: chr16-89739489-G-T. GRCh37 (hg19) VCF-style: chr16-89805897-G-T.
Other names: c.3999C>A, p.Phe1333Leu (NM_001286167.3); c.*1243G>T (NM_001113525.2, NM_152287.4); short protein forms F1333L.
Identifiers: ClinVar variation 1476597 (VCV001476597.8), dbSNP rs774576283, ClinGen allele CA286614887.

ClinVar aggregate classification (germline): Uncertain significance. Review status: criteria provided, multiple submitters, no conflicts (2 of 4 stars). 3 submissions from 3 submitters: Uncertain significance (3). Last evaluated 2025-04-17.

Conditions:
Inborn genetic diseases. Identifiers: MedGen C0950123, MeSH D030342.
Fanconi anemia complementation group A (FANCA). Also called: Fanconi anemia, group A; FANCA-Related Fanconi Anemia. Identifiers: Orphanet 84, MedGen C3469521, MONDO:0009215, OMIM 227650.
Fanconi anemia (FA). Also called: Fanconi's anemia. Identifiers: Orphanet 84, MedGen C0015625, MeSH D005199, MONDO:0019391.

gnomAD v4.1: 17 of 1,551,316 alleles (0.0011%); highest among the groups gnomAD compares: Non-Finnish European, 0.0015%; no homozygotes.

Submissions (3):

Ambry Genetics
Classification: Uncertain significance for Inborn genetic diseases. Last evaluated: 2025-04-17. Review status: criteria provided, single submitter. Criteria: Ambry Variant Classification Scheme 2023. Collection method: clinical testing. Allele origin: germline.
Comment: The p.F1333L variant (also known as c.3999C>A), located in coding exon 40 of the FANCA gene, results from a C to A substitution at nucleotide position 3999. The phenylalanine at codon 1333 is replaced by leucine, an amino acid with highly similar properties. This amino acid position is conserved. In addition, this alteration is predicted to be tolerated by in silico analysis. Based on the available evidence, the clinical significance of this variant remains unclear.

Labcorp Genetics (formerly Invitae), Labcorp
Classification: Uncertain significance for Fanconi anemia. Last evaluated: 2024-11-11. Review status: criteria provided, single submitter. Criteria: Invitae Variant Classification Sherloc (09022015). Collection method: clinical testing. Allele origin: germline.
Comment: This sequence change replaces phenylalanine, which is neutral and non-polar, with leucine, which is neutral and non-polar, at codon 1333 of the FANCA protein (p.Phe1333Leu). This variant is not present in population databases (gnomAD no frequency). This variant has not been reported in the literature in individuals affected with FANCA-related conditions. ClinVar contains an entry for this variant (Variation ID: 1476597). Invitae Evidence Modeling of protein sequence and biophysical properties (such as structural, functional, and spatial information, amino acid conservation, physicochemical variation, residue mobility, and thermodynamic stability) indicates that this missense variant is not expected to disrupt FANCA protein function with a negative predictive value of 95%. Algorithms developed to predict the effect of sequence changes on RNA splicing suggest that this variant may disrupt the consensus splice site. In summary, the available evidence is currently insufficient to determine the role of this variant in disease. Therefore, it has been classified as a Variant of Uncertain Significance.

Fulgent Genetics
Classification: Uncertain significance for Fanconi anemia complementation group A. Last evaluated: 2024-01-19. Review status: criteria provided, single submitter. Criteria: ACMG Guidelines, 2015. Collection method: clinical testing. Allele origin: germline.